The following is an entry in ClinVar:

NM_206937.2(LIG4):c.1193G>A (p.Gly398Asp)

Gene: LIG4 (DNA ligase 4; minus strand). Cytogenetic location: 13q33.3.
Variant type: single nucleotide variant.
Coding change: c.1193G>A on transcript NM_206937.2 (MANE Select); coding-DNA position 1193, G replaced by A.
Protein change: p.Gly398Asp; replaces glycine 398 with aspartic acid.
Molecular consequence: missense variant.
Genome position (GRCh38, 1-based): chr13:108,210,076, C>T on the plus strand (G>A on the coding strand, the complement: LIG4 is on the minus strand). VCF-style: chr13-108210076-C-T. GRCh37 (hg19) VCF-style: chr13-108862424-C-T.
Other names: c.1193G>A, p.Gly398Asp (NM_001098268.2, NM_001352598.2, NM_001352599.2 and 6 more transcripts); c.992G>A, p.Gly331Asp (NM_001330595.2); c.1229G>A, p.Gly410Asp (NM_001352604.2); short protein forms G398D, G331D, G410D.
Identifiers: ClinVar variation 648059 (VCV000648059.8), dbSNP rs538646268, ClinGen allele CA7043735.
Genomic context (GRCh38, chr13:108,210,076, plus strand): 5'-AATGCATCAATTACTTCATTCTTAGTATGAGCTTGTGTTTTCTGCACTATTTCTATTCTA[C>T]CTGGAATTGGTGTAAAAATACTACTAAGAATCTCATACCTCTTTCTCAGAGTCTCATGCC-3'
Protein context (NP_996820.1, residues 388-408): ILSSIFTPIP[Gly398Asp]RIEIVQKTQA

ClinVar aggregate classification (germline): Uncertain significance. Review status: criteria provided, multiple submitters, no conflicts (2 of 4 stars). 3 submissions from 3 submitters: Uncertain significance (3). Last evaluated 2022-05-29.

Conditions:
DNA ligase IV deficiency. Identifiers: Orphanet 99812, MedGen C1847827, MONDO:0011686, OMIM 606593.
Inborn genetic diseases. Identifiers: MedGen C0950123, MeSH D030342.

Allele frequency attached by ClinVar (database versions not stated): gnomAD 0.00001 and 0.00008; TOPMed 0.00003; gnomAD exomes 0.00007 and 0.00014; 1000 Genomes Project 30x 0.00016; 1000 Genomes Project 0.00020; ExAC 0.00020.

Submissions (3):

Labcorp Genetics (formerly Invitae), Labcorp
Classification: Uncertain significance for DNA ligase IV deficiency. Last evaluated: 2022-05-29. Review status: criteria provided, single submitter. Criteria: Invitae Variant Classification Sherloc (09022015). Collection method: clinical testing. Allele origin: germline.
Comment: This sequence change replaces glycine, which is neutral and non-polar, with aspartic acid, which is acidic and polar, at codon 398 of the LIG4 protein (p.Gly398Asp). This variant is present in population databases (rs538646268, gnomAD 0.1%). This variant has not been reported in the literature in individuals affected with LIG4-related conditions. ClinVar contains an entry for this variant (Variation ID: 648059). Algorithms developed to predict the effect of missense changes on protein structure and function are either unavailable or do not agree on the potential impact of this missense change (SIFT: "Tolerated"; PolyPhen-2: "Possibly Damaging"; Align-GVGD: "Class C0"). In summary, the available evidence is currently insufficient to determine the role of this variant in disease. Therefore, it has been classified as a Variant of Uncertain Significance.

Ambry Genetics
Classification: Uncertain significance for Inborn genetic diseases. Last evaluated: 2021-08-12. Review status: criteria provided, single submitter. Criteria: Ambry Variant Classification Scheme 2023. Collection method: clinical testing. Allele origin: germline.

GeneDx
Classification: Uncertain significance. Last evaluated: 2020-02-25. Review status: criteria provided, single submitter. Criteria: GeneDx Variant Classification Process June 2021. Collection method: clinical testing. Allele origin: germline. Affected: yes.
Comment: In silico analysis supports that this missense variant has a deleterious effect on protein structure/function; Has not been previously published as pathogenic or benign to our knowledge